The following is an entry in ClinVar:

ClinVar aggregate classification (germline): Benign. Review status: criteria provided, multiple submitters, no conflicts (2 of 4 stars). 3 submissions from 3 submitters: Benign (2). 1 of the submissions does not count toward it. Last evaluated 2025-11-29.

Conditions:
KPTN-related disorder. Also called: KPTN-related condition. Identifiers: MedGen CN381532.
Macrocephaly-developmental delay syndrome (MRT41). Also called: INTELLECTUAL DEVELOPMENTAL DISORDER, AUTOSOMAL RECESSIVE 41. Identifiers: Orphanet 397612, MedGen C3810225, MONDO:0014289, OMIM 615637.

Allele frequency attached by ClinVar (database versions not stated): gnomAD exomes 0.00159 and 0.00338; ExAC 0.00430; 1000 Genomes Project 30x 0.01390; 1000 Genomes Project 0.01418; gnomAD 0.01424 and 0.01514; ESP Exome Variant Server 0.01497; TOPMed 0.01627.
gnomAD v4.1: 4,614 of 1,612,904 alleles (0.29%); highest among the groups gnomAD compares: African/African-American, 4.9%; 85 homozygotes.

Submissions (3):

Labcorp Genetics (formerly Invitae), Labcorp
Classification: Benign for Macrocephaly-developmental delay syndrome. Last evaluated: 2025-11-29. Review status: criteria provided, single submitter. Criteria: Invitae Variant Classification Sherloc (09022015). Collection method: clinical testing. Allele origin: germline.

Breakthrough Genomics
Classification: Benign. Review status: criteria provided, single submitter. Criteria: ACMG Guidelines, 2015. Collection method: not provided. Allele origin: germline. Inheritance: Autosomal recessive inheritance. Affected: yes.

PreventionGenetics, part of Exact Sciences
Classification: Benign for KPTN-related condition. Last evaluated: 2019-05-15. Review status: no assertion criteria provided. Collection method: clinical testing. Allele origin: germline. Not counted in ClinVar's aggregate classification.
Comment: This variant is classified as benign based on ACMG/AMP sequence variant interpretation guidelines (Richards et al. 2015 PMID: 25741868, with internal and published modifications).

NM_007059.4(KPTN):c.1056C>T (p.His352=)

Gene: KPTN (kaptin, actin binding protein; minus strand). Cytogenetic location: 19q13.32.
Variant type: single nucleotide variant.
Coding change: c.1056C>T on transcript NM_007059.4 (MANE Select); coding-DNA position 1056, C replaced by T.
Protein change: p.His352=; no amino-acid change (histidine 352 retained).
Molecular consequence: synonymous variant. On other transcripts: non-coding transcript variant (1).
Genome position (GRCh38, 1-based): chr19:47,476,658, G>A on the plus strand (C>T on the coding strand, the complement: KPTN is on the minus strand). VCF-style: chr19-47476658-G-A. GRCh37 (hg19) VCF-style: chr19-47979915-G-A.
Other names: c.888C>T, p.His296= (NM_001291296.2).
Identifiers: ClinVar variation 474855 (VCV000474855.14), dbSNP rs73940855, ClinGen allele CA9540229.